The following is an entry in ClinVar:

ClinVar aggregate classification (germline): Uncertain significance. Review status: criteria provided, multiple submitters, no conflicts (2 of 4 stars). 5 submissions from 5 submitters: Uncertain significance (5). Last evaluated 2025-09-15.

Conditions:
Bethlem myopathy 2 (BTHLM2). Identifiers: Orphanet 536516, Orphanet 610, MedGen C4225313, MONDO:0034022, OMIM 616471.
Ullrich congenital muscular dystrophy 2 (UCMD2). Identifiers: Orphanet 75840, MedGen C4225314, MONDO:0014654, OMIM 616470.

Allele frequency attached by ClinVar (database versions not stated): TOPMed 0.00002; gnomAD 0.00003.
gnomAD v4.1: 40 of 1,610,588 alleles (0.0025%); highest among the groups gnomAD compares: South Asian, 0.015%; no homozygotes.

Submissions (5):

Labcorp Genetics (formerly Invitae), Labcorp
Classification: Uncertain significance for Bethlem myopathy 2; Ullrich congenital muscular dystrophy 2. Last evaluated: 2025-09-15. Review status: criteria provided, single submitter. Criteria: Invitae Variant Classification Sherloc (09022015). Collection method: clinical testing. Allele origin: germline.
Comment: This sequence change replaces arginine, which is basic and polar, with cysteine, which is neutral and slightly polar, at codon 905 of the COL12A1 protein (p.Arg905Cys). This variant is present in population databases (rs768127770, gnomAD 0.02%). This variant has not been reported in the literature in individuals affected with COL12A1-related conditions. ClinVar contains an entry for this variant (Variation ID: 1006180). An algorithm developed to predict the effect of missense changes on protein structure and function (PolyPhen-2) suggests that this variant is likely to be disruptive. In summary, the available evidence is currently insufficient to determine the role of this variant in disease. Therefore, it has been classified as a Variant of Uncertain Significance.

GeneDx
Classification: Uncertain significance. Last evaluated: 2025-05-07. Review status: criteria provided, single submitter. Criteria: GeneDx Variant Classification Process June 2021. Collection method: clinical testing. Allele origin: germline. Affected: yes.
Comment: In silico analysis suggests that this missense variant does not alter protein structure/function; Has not been previously published as pathogenic or benign to our knowledge

Fulgent Genetics
Classification: Uncertain significance for Ullrich congenital muscular dystrophy 2; Bethlem myopathy 2. Last evaluated: 2022-01-17. Review status: criteria provided, single submitter. Criteria: ACMG Guidelines, 2015. Collection method: clinical testing. Allele origin: unknown.

Revvity Omics, Revvity
Classification: Uncertain significance. Last evaluated: 2021-02-10. Review status: criteria provided, single submitter. Criteria: ACMG Guidelines, 2015. Collection method: clinical testing. Allele origin: germline.

CeGaT Center for Human Genetics Tuebingen
Classification: Uncertain significance. Last evaluated: 2020-07-01. Review status: criteria provided, single submitter. Criteria: CeGaT Center For Human Genetics Tuebingen Variant Classification Criteria Version 2. Collection method: clinical testing. Allele origin: germline. Affected: yes. Observed: 1 variant allele.

NM_004370.6(COL12A1):c.2713C>T (p.Arg905Cys)

Gene: COL12A1 (collagen type XII alpha 1 chain; minus strand). Cytogenetic location: 6q13.
Variant type: single nucleotide variant.
Coding change: c.2713C>T on transcript NM_004370.6 (MANE Select); coding-DNA position 2713, C replaced by T.
Protein change: p.Arg905Cys; replaces arginine 905 with cysteine.
Molecular consequence: missense variant. On other transcripts: intron variant (1).
Genome position (GRCh38, 1-based): chr6:75,165,777, G>A on the plus strand (C>T on the coding strand, the complement: COL12A1 is on the minus strand). VCF-style: chr6-75165777-G-A. GRCh37 (hg19) VCF-style: chr6-75875493-G-A.
Other names: c.2713C>T (NM_004370.5); c.74-13295C>T (NM_080645.3); short protein forms R905C.
Identifiers: ClinVar variation 1006180 (VCV001006180.49), dbSNP rs768127770, ClinGen allele CA3893884.